The following is an entry in ClinVar:

ClinVar aggregate classification (germline): Benign. Review status: criteria provided, multiple submitters, no conflicts (2 of 4 stars). 3 submissions from 3 submitters: Benign (2). 1 of the submissions does not count toward it. Last evaluated 2019-12-31.

Conditions:
DAAM1-related disorder. Also called: DAAM1-related condition.

Allele frequency attached by ClinVar (database versions not stated): gnomAD exomes 0.00073 and 0.00186; ExAC 0.00226; gnomAD 0.00738 and 0.00793; TOPMed 0.00814; 1000 Genomes Project 0.00839; 1000 Genomes Project 30x 0.00906; ESP Exome Variant Server 0.00984.
gnomAD v4.1: 2,231 of 1,614,138 alleles (0.14%); highest among the groups gnomAD compares: African/African-American, 2.6%; 34 homozygotes.

Submissions (3):

Labcorp Genetics (formerly Invitae), Labcorp
Classification: Benign. Last evaluated: 2019-12-31. Review status: criteria provided, single submitter. Criteria: Invitae Variant Classification Sherloc (09022015). Collection method: clinical testing. Allele origin: germline.

Breakthrough Genomics
Classification: Benign. Review status: criteria provided, single submitter. Criteria: ACMG Guidelines, 2015. Collection method: not provided. Allele origin: germline. Inheritance: Unknown mechanism. Affected: yes.

PreventionGenetics, part of Exact Sciences
Classification: Benign for DAAM1-related condition. Last evaluated: 2019-11-06. Review status: no assertion criteria provided. Collection method: clinical testing. Allele origin: germline. Not counted in ClinVar's aggregate classification.
Comment: This variant is classified as benign based on ACMG/AMP sequence variant interpretation guidelines (Richards et al. 2015 PMID: 25741868, with internal and published modifications).

NM_001270520.2(DAAM1):c.147T>C (p.Pro49=)

Gene: DAAM1 (dishevelled associated activator of morphogenesis 1; plus strand). Cytogenetic location: 14q23.1.
Variant type: single nucleotide variant.
Coding change: c.147T>C on transcript NM_001270520.2 (MANE Select); coding-DNA position 147, T replaced by C.
Protein change: p.Pro49=; no amino-acid change (proline 49 retained).
Molecular consequence: synonymous variant.
Genome position (GRCh38, 1-based): chr14:59,263,624, T>C. VCF-style: chr14-59263624-T-C. GRCh37 (hg19) VCF-style: chr14-59730342-T-C.
Other names: c.147T>C, p.Pro49= (NM_014992.2).
Identifiers: ClinVar variation 710220 (VCV000710220.7), dbSNP rs34733575, ClinGen allele CA7207142.